The following is an entry in ClinVar:

ClinVar aggregate classification (germline): Pathogenic (1 of 4 stars; one submission).

Conditions:
Charcot-Marie-Tooth disease type 2. Also called: Charcot-Marie-Tooth type 2. Identifiers: Orphanet 64746, MedGen C0270914, MONDO:0018993.

Submission:

Labcorp Genetics (formerly Invitae), Labcorp
Classification: Pathogenic for Charcot-Marie-Tooth disease type 2. Last evaluated: 2018-12-12. Review status: criteria provided, single submitter. Criteria: Invitae Variant Classification Sherloc (09022015). Collection method: clinical testing. Allele origin: germline.
Comment: This sequence change creates a premature translational stop signal (p.Gln538Argfs*16) in the MFN2 gene. It is expected to result in an absent or disrupted protein product. For these reasons, this variant has been classified as Pathogenic. Loss-of-function variants in MFN2 are known to be pathogenic (PMID: 16714318, 21715711, 26955893). This variant has not been reported in the literature in individuals with MFN2-related conditions. This variant is not present in population databases (ExAC no frequency).

Literature cited by the submitters: PubMed 16714318; PubMed 21715711; PubMed 26955893.

NM_014874.4(MFN2):c.1612del (p.Gln538fs)

Gene: MFN2 (mitofusin 2; plus strand). Cytogenetic location: 1p36.22.
Variant type: Deletion.
Coding change: c.1612del on transcript NM_014874.4 (MANE Select); coding-DNA position 1612, one base deleted (C; older notation c.1612delC).
Protein change: p.Gln538fs; shifts the reading frame from glutamine 538.
Molecular consequence: frameshift variant.
Genome position (GRCh38, 1-based): chr1:12,005,827, C deleted; the last of 2 consecutive C bases (chr1:12,005,826-12,005,827); deleting either gives the same sequence. VCF-style (leftmost placement, unchanged base first): chr1-12005825-TC-T. GRCh37 (hg19) VCF-style: chr1-12065882-TC-T.
Other names: c.1612delC (NM_014874.3); c.1612del, p.Gln538fs (NM_001127660.2); short protein forms Q538fs.
Identifiers: ClinVar variation 656157 (VCV000656157.7), dbSNP rs1569865516, ClinGen allele CA915941138.